The following is an entry in ClinVar:

NM_000059.4(BRCA2):c.9441dup (p.Ala3148fs)

Gene: BRCA2 (BRCA2 DNA repair associated; plus strand). Cytogenetic location: 13q13.1.
Variant type: Duplication.
Coding change: c.9441dup on transcript NM_000059.4 (MANE Select); coding-DNA position 9441, one base duplicated (T; older notation c.9441dupT).
Protein change: p.Ala3148fs; shifts the reading frame from alanine 3148.
Molecular consequence: frameshift variant.
Genome position (GRCh38, 1-based): chr13:32,394,873, T duplicated. VCF-style (leftmost placement, unchanged base first): chr13-32394872-C-CT. GRCh37 (hg19) VCF-style: chr13-32969009-C-CT.
Other names: short protein forms A3148fs.
Identifiers: ClinVar variation 1353312 (VCV001353312.8), dbSNP rs2137654056, ClinGen allele CA2573149513.

ClinVar aggregate classification (germline): Pathogenic (1 of 4 stars; one submission).

Conditions:
Hereditary breast ovarian cancer syndrome. Also called: BRCA1- and BRCA2-Associated Hereditary Breast and Ovarian Cancer; Hereditary breast and ovarian cancer; Hereditary breast and ovarian cancer syndrome; Hereditary breast and ovarian cancer syndrome (HBOC); Breast and ovarian cancer; Hereditary breast and/or ovarian cancer syndrome. Identifiers: Orphanet 145, MedGen C0677776, MeSH D061325, MONDO:0003582. Disease mechanism: loss of function.

Submission:

Labcorp Genetics (formerly Invitae), Labcorp
Classification: Pathogenic for Hereditary breast ovarian cancer syndrome. Last evaluated: 2022-12-11. Review status: criteria provided, single submitter. Criteria: Invitae Variant Classification Sherloc (09022015). Collection method: clinical testing. Allele origin: germline.
Comment: This sequence change creates a premature translational stop signal (p.Ala3148Cysfs*2) in the BRCA2 gene. It is expected to result in an absent or disrupted protein product. Loss-of-function variants in BRCA2 are known to be pathogenic (PMID: 20104584). This variant is not present in population databases (gnomAD no frequency). This premature translational stop signal has been observed in individual(s) with personal and/or family history of breast and/or ovarian cancer (PMID: 25863477). ClinVar contains an entry for this variant (Variation ID: 1353312). For these reasons, this variant has been classified as Pathogenic.

Literature cited by the submitters: PubMed 20104584; PubMed 25863477.